The following is an entry in ClinVar:

NM_001458.5(FLNC):c.4295C>T (p.Pro1432Leu)

Gene: FLNC (filamin C; plus strand). Cytogenetic location: 7q32.1.
Variant type: single nucleotide variant.
Coding change: c.4295C>T on transcript NM_001458.5 (MANE Select); coding-DNA position 4295, C replaced by T.
Protein change: p.Pro1432Leu; replaces proline 1432 with leucine.
Molecular consequence: missense variant.
Genome position (GRCh38, 1-based): chr7:128,847,703, C>T. VCF-style: chr7-128847703-C-T. GRCh37 (hg19) VCF-style: chr7-128487757-C-T.
Other names: c.4295C>T, p.Pro1432Leu (NM_001127487.2); c.4295C>T (NM_001458.4); short protein forms P1432L.
Identifiers: ClinVar variation 1388030 (VCV001388030.12), dbSNP rs1427806742, ClinGen allele CA369201067.

ClinVar aggregate classification (germline): Conflicting classifications of pathogenicity. Review status: criteria provided, conflicting classifications (1 of 4 stars). 3 submissions from 3 submitters: Likely pathogenic (1); Uncertain significance (2). Last evaluated 2025-12-22.

Conditions:
Myofibrillar myopathy 5. Also called: FILAMINOPATHY, AUTOSOMAL DOMINANT; Filaminopathy (type). Identifiers: Orphanet 171445, MedGen C1836050, MONDO:0012289, OMIM 609524.
Hypertrophic cardiomyopathy 26. Also called: Cardiomyopathy, familial hypertrophic, 26. Identifiers: Orphanet 75249, MedGen C4310749, MONDO:0014883, OMIM 617047.
Distal myopathy with posterior leg and anterior hand involvement. Also called: WILLIAMS DISTAL MYOPATHY. Identifiers: Orphanet 63273, MedGen C3279722, MONDO:0013550, OMIM 614065.
Cardiovascular phenotype. Identifiers: MedGen CN230736.

Allele frequency attached by ClinVar (database versions not stated): TOPMed below 0.00001; gnomAD 0.00001; gnomAD exomes 0.00001.
gnomAD v4.1: 17 of 1,613,858 alleles (0.0011%); highest among the groups gnomAD compares: East Asian, 0.0022%; no homozygotes.

Submissions (3):

Labcorp Genetics (formerly Invitae), Labcorp
Classification: Uncertain significance for Distal myopathy with posterior leg and anterior hand involvement; Myofibrillar myopathy 5; Hypertrophic cardiomyopathy 26. Last evaluated: 2025-12-22. Review status: criteria provided, single submitter. Criteria: Invitae Variant Classification Sherloc (09022015). Collection method: clinical testing. Allele origin: germline.
Comment: This sequence change replaces proline, which is neutral and non-polar, with leucine, which is neutral and non-polar, at codon 1432 of the FLNC protein (p.Pro1432Leu). This variant is present in population databases (no rsID available, gnomAD 0.007%). This variant has not been reported in the literature in individuals affected with FLNC-related conditions. ClinVar contains an entry for this variant (Variation ID: 1388030). Invitae Evidence Modeling of protein sequence and biophysical properties (such as structural, functional, and spatial information, amino acid conservation, physicochemical variation, residue mobility, and thermodynamic stability) has been performed for this missense variant. However, the output from this modeling did not meet the statistical confidence thresholds required to predict the impact of this variant on FLNC protein function. In summary, the available evidence is currently insufficient to determine the role of this variant in disease. Therefore, it has been classified as a Variant of Uncertain Significance.

Ambry Genetics
Classification: Uncertain significance for Cardiovascular phenotype. Last evaluated: 2025-03-21. Review status: criteria provided, single submitter. Criteria: Ambry Variant Classification Scheme 2023. Collection method: clinical testing. Allele origin: germline.
Comment: The p.P1432L variant (also known as c.4295C>T), located in coding exon 25 of the FLNC gene, results from a C to T substitution at nucleotide position 4295. The proline at codon 1432 is replaced by leucine, an amino acid with similar properties. This variant was reported in individual(s) with features consistent with dilated cardiomyopathy (DCM) (Janin A et al. Clin Genet, 2017 Dec;92:616-623). This amino acid position is highly conserved in available vertebrate species. In addition, this alteration is predicted to be deleterious by in silico analysis. Based on the available evidence, the clinical significance of this variant remains unclear.

Juno Genomics, Hangzhou Juno Genomics, Inc
Classification: Likely pathogenic for Myofibrillar myopathy 5; Hypertrophic cardiomyopathy 26. Review status: criteria provided, single submitter. Criteria: ACMG Guidelines, 2015. Collection method: clinical testing. Allele origin: germline.
Comment: Absent from controls (or at extremely low frequency if recessive) in Genome Aggregation Database.;Multiple lines of computational evidence support a deleterious effect on the gene or gene product.;Missense variant in a gene that has a low rate of benign missense variation.

Literature cited by the submitters: PubMed 28436997 (cited by Ambry Genetics).